The following is an entry in ClinVar:

NM_000350.3(ABCA4):c.6334G>A (p.Val2112Ile)

Gene: ABCA4 (ATP binding cassette subfamily A member 4; minus strand). Cytogenetic location: 1p22.1.
Variant type: single nucleotide variant.
Coding change: c.6334G>A on transcript NM_000350.3 (MANE Select); coding-DNA position 6334, G replaced by A.
Protein change: p.Val2112Ile; replaces valine 2112 with isoleucine.
Molecular consequence: missense variant.
Genome position (GRCh38, 1-based): chr1:94,001,054, C>T on the plus strand (G>A on the coding strand, the complement: ABCA4 is on the minus strand). VCF-style: chr1-94001054-C-T. GRCh37 (hg19) VCF-style: chr1-94466610-C-T.
Other names: c.6112G>A, p.Val2038Ile (NM_001425324.1); short protein forms V2112I, V2038I.
Identifiers: ClinVar variation 1044964 (VCV001044964.11), dbSNP rs571031879, ClinGen allele CA956902.

ClinVar aggregate classification (germline): Uncertain significance. Review status: criteria provided, multiple submitters, no conflicts (2 of 4 stars). 4 submissions from 4 submitters: Uncertain significance (4). Last evaluated 2025-03-18.

Conditions:
Inborn genetic diseases. Identifiers: MedGen C0950123, MeSH D030342.
ABCA4-related disorder. Also called: ABCA4-related disorders; ABCA4-related condition. Identifiers: MedGen CN239167.

Allele frequency attached by ClinVar (database versions not stated): TOPMed 0.00002.
gnomAD v4.1: 25 of 1,614,012 alleles (0.0015%); highest among the groups gnomAD compares: African/African-American, 0.008%; no homozygotes.

Submissions (4):

PreventionGenetics, part of Exact Sciences
Classification: Uncertain significance for ABCA4-related condition. Last evaluated: 2025-03-18. Review status: criteria provided, single submitter. Criteria: ACMG Guidelines, 2015. Collection method: clinical testing. Allele origin: germline.
Comment: The ABCA4 c.6334G>A variant is predicted to result in the amino acid substitution p.Val2112Ile. To our knowledge, this variant has not been reported in the literature. This variant is present in 0.0087% of alleles in individuals of Latino descent in gnomAD. At this time, the clinical significance of this variant is uncertain due to the absence of conclusive functional and genetic evidence.

Labcorp Genetics (formerly Invitae), Labcorp
Classification: Uncertain significance. Last evaluated: 2022-09-19. Review status: criteria provided, single submitter. Criteria: Invitae Variant Classification Sherloc (09022015). Collection method: clinical testing. Allele origin: germline.
Comment: This sequence change replaces valine, which is neutral and non-polar, with isoleucine, which is neutral and non-polar, at codon 2112 of the ABCA4 protein (p.Val2112Ile). This variant is present in population databases (rs571031879, gnomAD 0.009%). This variant has not been reported in the literature in individuals affected with ABCA4-related conditions. ClinVar contains an entry for this variant (Variation ID: 1044964). Advanced modeling of protein sequence and biophysical properties (such as structural, functional, and spatial information, amino acid conservation, physicochemical variation, residue mobility, and thermodynamic stability) performed at Invitae indicates that this missense variant is not expected to disrupt ABCA4 protein function. In summary, the available evidence is currently insufficient to determine the role of this variant in disease. Therefore, it has been classified as a Variant of Uncertain Significance.

Ambry Genetics
Classification: Uncertain significance for Inborn genetic diseases. Last evaluated: 2022-08-08. Review status: criteria provided, single submitter. Criteria: Ambry Variant Classification Scheme 2023. Collection method: clinical testing. Allele origin: germline.

Blueprint Genetics
Classification: Uncertain significance. Last evaluated: 2022-03-08. Review status: criteria provided, single submitter. Criteria: ACMG Guidelines, 2015. Collection method: clinical testing. Allele origin: germline.